The following is an entry in ClinVar:

ClinVar aggregate classification (germline): Uncertain significance (1 of 4 stars; one submission).

Submission:

GeneDx
Classification: Uncertain significance. Last evaluated: 2024-03-06. Review status: criteria provided, single submitter. Criteria: GeneDx Variant Classification Process June 2021. Collection method: clinical testing. Allele origin: germline. Affected: yes.
Comment: Has not been previously published as pathogenic or benign to our knowledge; Not observed at significant frequency in large population cohorts (gnomAD); In silico analysis supports that this missense variant has a deleterious effect on protein structure/function

NM_000393.5(COL5A2):c.2543C>T (p.Ala848Val)

Gene: COL5A2 (collagen type V alpha 2 chain; minus strand). Cytogenetic location: 2q32.2.
Variant type: single nucleotide variant.
Coding change: c.2543C>T on transcript NM_000393.5 (MANE Select); coding-DNA position 2543, C replaced by T.
Protein change: p.Ala848Val; replaces alanine 848 with valine.
Molecular consequence: missense variant.
Genome position (GRCh38, 1-based): chr2:189,053,434, G>A on the plus strand (C>T on the coding strand, the complement: COL5A2 is on the minus strand). VCF-style: chr2-189053434-G-A. GRCh37 (hg19) VCF-style: chr2-189918160-G-A.
Other names: short protein forms A848V.
Identifiers: ClinVar variation 3373701 (VCV003373701.1).